The following is an entry in ClinVar:

NM_000334.4(SCN4A):c.3385C>T (p.Arg1129Trp)

Genes: GH-LCR (growth hormone locus control region; plus strand), SCN4A (sodium voltage-gated channel alpha subunit 4; minus strand). Cytogenetic location: 17q23.3.
Variant type: single nucleotide variant.
Coding change: c.3385C>T on transcript NM_000334.4 (MANE Select); coding-DNA position 3385, C replaced by T.
Protein change: p.Arg1129Trp; replaces arginine 1129 with tryptophan.
Molecular consequence: missense variant.
Genome position (GRCh38, 1-based): chr17:63,947,101, G>A on the plus strand (C>T on the coding strand, the complement: SCN4A is on the minus strand). VCF-style: chr17-63947101-G-A. GRCh37 (hg19) VCF-style: chr17-62024461-G-A.
Other names: short protein forms R1129W.
Identifiers: ClinVar variation 1223185 (VCV001223185.13), dbSNP rs772071113, ClinGen allele CA8709295.

ClinVar aggregate classification (germline): Uncertain significance. Review status: criteria provided, multiple submitters, no conflicts (2 of 4 stars). 5 submissions from 5 submitters: Uncertain significance (5). Last evaluated 2025-10-15.

Conditions:
Inborn genetic diseases. Identifiers: MedGen C0950123, MeSH D030342.
Hypokalemic periodic paralysis, type 1. Also called: HypoPP; Hypokalemic Periodic Paralysis Type 1 (AD). Identifiers: Orphanet 681, MedGen C3714580, MONDO:0042979, OMIM 170400.
Potassium-aggravated myotonia. Also called: MYOTONIA CONGENITA, ACETAZOLAMIDE-RESPONSIVE; MYOTONIA CONGENITA, ATYPICAL; SODIUM CHANNEL MUSCLE DISEASE; Myotonia congenita, atypical, acetazolamide-responsive. Identifiers: Orphanet 612, Orphanet 99734, Orphanet 99735, Orphanet 99736, MedGen C2931826, MONDO:0018959, OMIM 608390.
Hypokalemic periodic paralysis, type 2 (HOKPP2). Identifiers: Orphanet 681, MedGen C2750061, MONDO:0013234, OMIM 613345.
Hyperkalemic periodic paralysis. Also called: Familial hyperkalemic periodic paralysis; Gamstorp disease. Identifiers: Orphanet 682, MedGen C0238357, MONDO:0008224, OMIM 170500, HP:0007215.
Paramyotonia congenita of Von Eulenburg. Also called: PARALYSIS PERIODICA PARAMYOTONICA; Paramyotonia Congenita; Eulenburg disease; Myotonia congenita intermittens; Von Eulenburg paramyotonia congenita. Identifiers: Orphanet 684, MedGen C0221055, MONDO:0008195, OMIM 168300. Disease mechanism: loss of function.
Congenital myasthenic syndrome 16. Identifiers: Orphanet 590, MedGen C3280112, MONDO:0013620, OMIM 614198.

Allele frequency attached by ClinVar (database versions not stated): gnomAD exomes 0.00002; ExAC 0.00005.
gnomAD v4.1: 13 of 1,567,200 alleles (0.00083%); highest among the groups gnomAD compares: Middle Eastern, 0.017%; no homozygotes.

Submissions (5):

Ambry Genetics
Classification: Uncertain significance for Inborn genetic diseases. Last evaluated: 2025-10-15. Review status: criteria provided, single submitter. Criteria: Ambry Variant Classification Scheme 2023. Collection method: clinical testing. Allele origin: germline.

Labcorp Genetics (formerly Invitae), Labcorp
Classification: Uncertain significance for Hyperkalemic periodic paralysis. Last evaluated: 2024-10-15. Review status: criteria provided, single submitter. Criteria: Invitae Variant Classification Sherloc (09022015). Collection method: clinical testing. Allele origin: germline.
Comment: This sequence change replaces arginine, which is basic and polar, with tryptophan, which is neutral and slightly polar, at codon 1129 of the SCN4A protein (p.Arg1129Trp). This variant is present in population databases (rs772071113, gnomAD 0.004%). This variant has not been reported in the literature in individuals affected with SCN4A-related conditions. ClinVar contains an entry for this variant (Variation ID: 1223185). Invitae Evidence Modeling of protein sequence and biophysical properties (such as structural, functional, and spatial information, amino acid conservation, physicochemical variation, residue mobility, and thermodynamic stability) indicates that this missense variant is expected to disrupt SCN4A protein function with a positive predictive value of 95%. In summary, the available evidence is currently insufficient to determine the role of this variant in disease. Therefore, it has been classified as a Variant of Uncertain Significance.

Revvity Omics, Revvity
Classification: Uncertain significance. Last evaluated: 2023-08-17. Review status: criteria provided, single submitter. Criteria: ACMG Guidelines, 2015. Collection method: clinical testing. Allele origin: germline.

Fulgent Genetics
Classification: Uncertain significance for Paramyotonia congenita of Von Eulenburg; Hypokalemic periodic paralysis, type 1; Hyperkalemic periodic paralysis; Potassium-aggravated myotonia; Hypokalemic periodic paralysis, type 2; Congenital myasthenic syndrome 16. Last evaluated: 2021-09-07. Review status: criteria provided, single submitter. Criteria: ACMG Guidelines, 2015. Collection method: clinical testing. Allele origin: unknown.

GeneDx
Classification: Uncertain significance. Last evaluated: 2020-06-02. Review status: criteria provided, single submitter. Criteria: GeneDx Variant Classification Process June 2021. Collection method: clinical testing. Allele origin: germline. Affected: yes.
Comment: In silico analysis supports that this missense variant has a deleterious effect on protein structure/function; Has not been previously published as pathogenic or benign to our knowledge